The following is an entry in ClinVar:

ClinVar aggregate classification (germline): Uncertain significance (1 of 4 stars; one submission).

Submission:

Labcorp Genetics (formerly Invitae), Labcorp
Classification: Uncertain significance. Last evaluated: 2022-04-04. Review status: criteria provided, single submitter. Criteria: Invitae Variant Classification Sherloc (09022015). Collection method: clinical testing. Allele origin: germline.
Comment: This sequence change replaces cysteine, which is neutral and slightly polar, with tyrosine, which is neutral and polar, at codon 1146 of the LTBP4 protein (p.Cys1146Tyr). This variant is not present in population databases (gnomAD no frequency). This variant has not been reported in the literature in individuals affected with LTBP4-related conditions. Experimental studies and prediction algorithms are not available or were not evaluated, and the functional significance of this variant is currently unknown. In summary, the available evidence is currently insufficient to determine the role of this variant in disease. Therefore, it has been classified as a Variant of Uncertain Significance.

NM_001042545.2(LTBP4):c.3347G>A (p.Cys1116Tyr)

Gene: LTBP4 (latent transforming growth factor beta binding protein 4; plus strand). Cytogenetic location: 19q13.2.
Variant type: single nucleotide variant.
Coding change: c.3347G>A on transcript NM_001042545.2 (MANE Select); coding-DNA position 3347, G replaced by A.
Protein change: p.Cys1116Tyr; replaces cysteine 1116 with tyrosine.
Molecular consequence: missense variant.
Genome position (GRCh38, 1-based): chr19:40,622,530, G>A. VCF-style: chr19-40622530-G-A. GRCh37 (hg19) VCF-style: chr19-41128435-G-A.
Other names: c.3548G>A, p.Cys1183Tyr (NM_001042544.1); c.3437G>A, p.Cys1146Tyr (NM_003573.2); short protein forms C1183Y, C1116Y, C1146Y.
Identifiers: ClinVar variation 2116839 (VCV002116839.4), dbSNP rs2515382643, ClinGen allele CA405905945.